The following is an entry in ClinVar:

ClinVar aggregate classification (germline): Uncertain significance (1 of 4 stars; one submission).

gnomAD v4.1: 7 of 1,611,850 alleles (0.00043%); highest among the groups gnomAD compares: Non-Finnish European, 0.00059%; no homozygotes.

Submission:

Ambry Genetics
Classification: Uncertain significance. Last evaluated: 2025-05-07. Review status: criteria provided, single submitter. Criteria: Ambry Variant Classification Scheme 2023. Collection method: clinical testing. Allele origin: germline.
Comment: The p.V231L variant (also known as c.691G>C), located in coding exon 1 of the MC1R gene, results from a G to C substitution at nucleotide position 691. The valine at codon 231 is replaced by leucine, an amino acid with highly similar properties. This amino acid position is conserved. In addition, this alteration is predicted to be tolerated by in silico analysis. Based on the available evidence, the clinical significance of this variant remains unclear.

NM_002386.4(MC1R):c.691G>C (p.Val231Leu)

Gene: MC1R (melanocortin 1 receptor; plus strand). Cytogenetic location: 16q24.3.
Variant type: single nucleotide variant.
Coding change: c.691G>C on transcript NM_002386.4 (MANE Select); coding-DNA position 691, G replaced by C.
Protein change: p.Val231Leu; replaces valine 231 with leucine.
Molecular consequence: missense variant.
Genome position (GRCh38, 1-based): chr16:89,919,949, G>C. VCF-style: chr16-89919949-G-C. GRCh37 (hg19) VCF-style: chr16-89986357-G-C.
Other names: short protein forms V231L.
Identifiers: ClinVar variation 4052429 (VCV004052429.1).
Genomic context (GRCh38, chr16:89,919,949, plus strand): 5'-CTGGCCCGGGCCTGCCAGCACGCCCAGGGCATCGCCCGGCTCCACAAGAGGCAGCGCCCG[G>C]TCCACCAGGGCTTTGGCCTTAAAGGCGCTGTCACCCTCACCATCCTGCTGGGCATTTTCT-3'
Protein context (NP_002377.4, residues 221-241): IARLHKRQRP[Val231Leu]HQGFGLKGAV